The following is an entry in ClinVar:

NM_006767.4(LZTR1):c.1031C>T (p.Ser344Phe)

Gene: LZTR1 (leucine zipper like post translational regulator 1; plus strand). Cytogenetic location: 22q11.21.
Variant type: single nucleotide variant.
Coding change: c.1031C>T on transcript NM_006767.4 (MANE Select); coding-DNA position 1031, C replaced by T.
Protein change: p.Ser344Phe; replaces serine 344 with phenylalanine.
Molecular consequence: missense variant.
Genome position (GRCh38, 1-based): chr22:20,992,251, C>T. VCF-style: chr22-20992251-C-T. GRCh37 (hg19) VCF-style: chr22-21346540-C-T.
Other names: short protein forms S344F.
Identifiers: ClinVar variation 1771253 (VCV001771253.3), dbSNP rs1924632209, ClinGen allele CA410781833.

ClinVar aggregate classification (germline): Uncertain significance. Review status: criteria provided, multiple submitters, no conflicts (2 of 4 stars). 2 submissions from 2 submitters: Uncertain significance (2). Last evaluated 2025-10-26.

Conditions:
Cardiovascular phenotype. Identifiers: MedGen CN230736.
Hereditary cancer-predisposing syndrome. Also called: Hereditary Cancer Syndrome; Hereditary neoplastic syndrome; Neoplastic Syndromes, Hereditary; Tumor predisposition. Identifiers: Orphanet 140162, MedGen C0027672, MeSH D009386, MONDO:0015356.

Submissions (2):

Labcorp Genetics (formerly Invitae), Labcorp
Classification: Uncertain significance. Last evaluated: 2025-10-26. Review status: criteria provided, single submitter. Criteria: Invitae Variant Classification Sherloc (09022015). Collection method: clinical testing. Allele origin: germline.
Comment: This sequence change replaces serine, which is neutral and polar, with phenylalanine, which is neutral and non-polar, at codon 344 of the LZTR1 protein (p.Ser344Phe). This variant is not present in population databases (gnomAD no frequency). This variant has not been reported in the literature in individuals affected with LZTR1-related conditions. ClinVar contains an entry for this variant (Variation ID: 1771253). Invitae Evidence Modeling of protein sequence and biophysical properties (such as structural, functional, and spatial information, amino acid conservation, physicochemical variation, residue mobility, and thermodynamic stability) indicates that this missense variant is not expected to disrupt LZTR1 protein function with a negative predictive value of 80%. In summary, the available evidence is currently insufficient to determine the role of this variant in disease. Therefore, it has been classified as a Variant of Uncertain Significance.

Ambry Genetics
Classification: Uncertain significance for Cardiovascular phenotype; Hereditary cancer-predisposing syndrome. Last evaluated: 2021-11-22. Review status: criteria provided, single submitter. Criteria: Ambry Variant Classification Scheme 2023. Collection method: clinical testing. Allele origin: germline.
Comment: The p.S344F variant (also known as c.1031C>T), located in coding exon 10 of the LZTR1 gene, results from a C to T substitution at nucleotide position 1031. The serine at codon 344 is replaced by phenylalanine, an amino acid with highly dissimilar properties. This amino acid position is well conserved in available vertebrate species. In addition, this alteration is predicted to be tolerated by in silico analysis. Since supporting evidence is limited at this time, the clinical significance of this alteration remains unclear.